The following is an entry in ClinVar:

ClinVar aggregate classification (germline): Uncertain significance (1 of 4 stars; one submission).

Submission:

Labcorp Genetics (formerly Invitae), Labcorp
Classification: Uncertain significance. Last evaluated: 2023-12-03. Review status: criteria provided, single submitter. Criteria: Invitae Variant Classification Sherloc (09022015). Collection method: clinical testing. Allele origin: germline.
Comment: This sequence change replaces methionine, which is neutral and non-polar, with valine, which is neutral and non-polar, at codon 526 of the ROR2 protein (p.Met526Val). This variant is present in population databases (rs753913085, gnomAD 0.004%). This variant has not been reported in the literature in individuals affected with ROR2-related conditions. ClinVar contains an entry for this variant (Variation ID: 2115583). Advanced modeling of protein sequence and biophysical properties (such as structural, functional, and spatial information, amino acid conservation, physicochemical variation, residue mobility, and thermodynamic stability) performed at Invitae indicates that this missense variant is not expected to disrupt ROR2 protein function with a negative predictive value of 80%. In summary, the available evidence is currently insufficient to determine the role of this variant in disease. Therefore, it has been classified as a Variant of Uncertain Significance.

NM_004560.4(ROR2):c.1576A>G (p.Met526Val)

Gene: ROR2 (receptor tyrosine kinase like orphan receptor 2; minus strand). Cytogenetic location: 9q22.31.
Variant type: single nucleotide variant.
Coding change: c.1576A>G on transcript NM_004560.4 (MANE Select); coding-DNA position 1576, A replaced by G.
Protein change: p.Met526Val; replaces methionine 526 with valine.
Molecular consequence: missense variant.
Genome position (GRCh38, 1-based): chr9:91,724,918, T>C on the plus strand (A>G on the coding strand, the complement: ROR2 is on the minus strand). VCF-style: chr9-91724918-T-C. GRCh37 (hg19) VCF-style: chr9-94487200-T-C.
Other names: short protein forms M526V.
Identifiers: ClinVar variation 2115583 (VCV002115583.4), dbSNP rs753913085, ClinGen allele CA5120644.